The following is an entry in ClinVar:

ClinVar aggregate classification (germline): Uncertain significance (1 of 4 stars; one submission).

Submission:

GeneDx
Classification: Uncertain significance. Last evaluated: 2024-02-13. Review status: criteria provided, single submitter. Criteria: GeneDx Variant Classification Process June 2021. Collection method: clinical testing. Allele origin: germline. Affected: yes.
Comment: Not observed at significant frequency in large population cohorts (gnomAD); In silico analysis supports that this missense variant has a deleterious effect on protein structure/function; Has not been previously published as pathogenic or benign to our knowledge

NM_014159.7(SETD2):c.1646A>T (p.Asp549Val)

Gene: SETD2 (SET domain containing 2, histone lysine methyltransferase; minus strand). Cytogenetic location: 3p21.31.
Variant type: single nucleotide variant.
Coding change: c.1646A>T on transcript NM_014159.7 (MANE Select); coding-DNA position 1646, A replaced by T.
Protein change: p.Asp549Val; replaces aspartic acid 549 with valine.
Molecular consequence: missense variant. On other transcripts: non-coding transcript variant (1).
Genome position (GRCh38, 1-based): chr3:47,122,990, T>A on the plus strand (A>T on the coding strand, the complement: SETD2 is on the minus strand). VCF-style: chr3-47122990-T-A. GRCh37 (hg19) VCF-style: chr3-47164480-T-A.
Other names: c.1514A>T, p.Asp505Val (NM_001349370.3); short protein forms D505V, D549V.
Identifiers: ClinVar variation 3369143 (VCV003369143.1).